The following is an entry in ClinVar:

ClinVar aggregate classification (germline): Likely benign. Review status: criteria provided, multiple submitters, no conflicts (2 of 4 stars). 2 submissions from 2 submitters: Likely benign (2). Last evaluated 2018-06-13.

Conditions:
Hereditary cancer-predisposing syndrome. Also called: Neoplastic Syndromes, Hereditary; Tumor predisposition; Hereditary neoplastic syndrome; Hereditary Cancer Syndrome. Identifiers: Orphanet 140162, MedGen C0027672, MeSH D009386, MONDO:0015356.

Allele frequency attached by ClinVar (database versions not stated): gnomAD exomes below 0.00001.
gnomAD v4.1: 3 of 1,614,120 alleles (0.00019%); highest among the groups gnomAD compares: Non-Finnish European, 0.00017%; no homozygotes.

Submissions (2):

GeneDx
Classification: Likely benign. Last evaluated: 2018-06-13. Review status: criteria provided, single submitter. Criteria: GeneDx Variant Classification (06012015). Collection method: clinical testing. Allele origin: germline. Affected: yes.
Comment: This variant is considered likely benign or benign based on one or more of the following criteria: it is a conservative change, it occurs at a poorly conserved position in the protein, it is predicted to be benign by multiple in silico algorithms, and/or has population frequency not consistent with disease.

Ambry Genetics
Classification: Likely benign for Hereditary cancer-predisposing syndrome. Last evaluated: 2018-02-21. Review status: criteria provided, single submitter. Criteria: Ambry Variant Classification Scheme 2023. Collection method: clinical testing. Allele origin: germline.

NM_000179.3(MSH6):c.3666T>C (p.Phe1222=)

Gene: MSH6 (mutS homolog 6; plus strand). Cytogenetic location: 2p16.3.
Variant type: single nucleotide variant.
Coding change: c.3666T>C on transcript NM_000179.3 (MANE Select); coding-DNA position 3666, T replaced by C.
Protein change: p.Phe1222=; no amino-acid change (phenylalanine 1222 retained).
Molecular consequence: synonymous variant.
Genome position (GRCh38, 1-based): chr2:47,806,223, T>C. VCF-style: chr2-47806223-T-C. GRCh37 (hg19) VCF-style: chr2-48033362-T-C.
Other names: c.3276T>C, p.Phe1092= (NM_001281492.2); c.2760T>C, p.Phe920= (NM_001281493.2, NM_001281494.2).
Identifiers: ClinVar variation 672303 (VCV000672303.3), dbSNP rs1572744475, ClinGen allele CA425997712.
Genomic context (GRCh38, chr2:47,806,223, plus strand): 5'-TTCCTTTGAGTTACTTCCTTATGCATATTTTACTTTAACAGGAAGAGGTACTGCAACATT[T>C]GATGGGACGGCAATAGCAAATGCAGTTGTTAAAGAACTTGCTGAGACTATAAAATGTCGT-3'
Protein context (NP_000170.1, residues 1212-1232): VDELGRGTAT[Phe1222=]DGTAIANAVV